The following is an entry in ClinVar:

ClinVar aggregate classification (germline): Benign. Review status: criteria provided, multiple submitters, no conflicts (2 of 4 stars). 3 submissions from 3 submitters: Benign (3). Last evaluated 2018-06-14.

Allele frequency attached by ClinVar (database versions not stated): 1000 Genomes Project 0.99481; TOPMed 0.99029; gnomAD 0.98729 and 0.98754; ExAC 0.98776; ESP Exome Variant Server 0.98907; 1000 Genomes Project 30x 0.99407; gnomAD exomes 0.98316 and 0.98769.

Submissions (3):

GeneDx
Classification: Benign. Last evaluated: 2018-06-14. Review status: criteria provided, single submitter. Criteria: GeneDx Variant Classification (06012015). Collection method: clinical testing. Allele origin: germline. Affected: yes.
Comment: This variant is considered likely benign or benign based on one or more of the following criteria: it is a conservative change, it occurs at a poorly conserved position in the protein, it is predicted to be benign by multiple in silico algorithms, and/or has population frequency not consistent with disease.

Breakthrough Genomics
Classification: Benign. Review status: criteria provided, single submitter. Criteria: ACMG Guidelines, 2015. Collection method: not provided. Allele origin: germline. Inheritance: Autosomal recessive inheritance. Affected: yes.

PreventionGenetics, part of Exact Sciences
Classification: Benign. Review status: criteria provided, single submitter. Criteria: ACMG Guidelines, 2015. Collection method: clinical testing. Allele origin: germline.

NM_000334.4(SCN4A):c.483-25T>C

Gene: SCN4A (sodium voltage-gated channel alpha subunit 4; minus strand). Cytogenetic location: 17q23.3.
Variant type: single nucleotide variant.
Coding change: c.483-25T>C on transcript NM_000334.4 (MANE Select); 25 bases into the intron before coding-DNA position 483, T replaced by C.
Molecular consequence: intron variant.
Genome position (GRCh38, 1-based): chr17:63,971,875, A>G on the plus strand (T>C on the coding strand, the complement: SCN4A is on the minus strand). VCF-style: chr17-63971875-A-G. GRCh37 (hg19) VCF-style: chr17-62049235-A-G.
Identifiers: ClinVar variation 255856 (VCV000255856.3), dbSNP rs9892013, ClinGen allele CA8710150.